The following is an entry in ClinVar:

NM_012203.2(GRHPR):c.371G>A (p.Arg124His)

Gene: GRHPR (glyoxylate and hydroxypyruvate reductase; plus strand). Cytogenetic location: 9p13.2.
Variant type: single nucleotide variant.
Coding change: c.371G>A on transcript NM_012203.2 (MANE Select); coding-DNA position 371, G replaced by A.
Protein change: p.Arg124His; replaces arginine 124 with histidine.
Molecular consequence: missense variant.
Genome position (GRCh38, 1-based): chr9:37,426,621, G>A. VCF-style: chr9-37426621-G-A. GRCh37 (hg19) VCF-style: chr9-37426618-G-A.
Other names: short protein forms R124H.
Identifiers: ClinVar variation 2149715 (VCV002149715.1), dbSNP rs768403579, ClinGen allele CA5059018.

ClinVar aggregate classification (germline): Uncertain significance (1 of 4 stars; one submission).

Allele frequency attached by ClinVar (database versions not stated): gnomAD exomes 0.00001; gnomAD 0.00002; TOPMed 0.00002.
gnomAD v4.1: 21 of 1,612,046 alleles (0.0013%); highest among the groups gnomAD compares: African/African-American, 0.004%; no homozygotes.

Submission:

Labcorp Genetics (formerly Invitae), Labcorp
Classification: Uncertain significance. Last evaluated: 2020-05-27. Review status: criteria provided, single submitter. Criteria: Invitae Variant Classification Sherloc (09022015). Collection method: clinical testing. Allele origin: germline.
Comment: This sequence change replaces arginine with histidine at codon 124 of the GRHPR protein (p.Arg124His). The arginine residue is highly conserved and there is a small physicochemical difference between arginine and histidine. This variant is present in population databases (rs768403579, ExAC 0.02%). This variant has not been reported in the literature in individuals with GRHPR-related conditions. Algorithms developed to predict the effect of missense changes on protein structure and function (SIFT, PolyPhen-2, Align-GVGD) all suggest that this variant is likely to be disruptive, but these predictions have not been confirmed by published functional studies and their clinical significance is uncertain. In summary, the available evidence is currently insufficient to determine the role of this variant in disease. Therefore, it has been classified as a Variant of Uncertain Significance.